The following is an entry in ClinVar:

NM_001267550.2(TTN):c.66042C>T (p.Ser22014=)

Genes: TTN-AS1 (TTN antisense RNA 1; plus strand), TTN (titin; minus strand). Cytogenetic location: 2q31.2.
Variant type: single nucleotide variant.
Coding change: c.66042C>T on transcript NM_001267550.2 (MANE Select); coding-DNA position 66042, C replaced by T.
Protein change: p.Ser22014=; no amino-acid change (serine 22014 retained).
Molecular consequence: synonymous variant.
Genome position (GRCh38, 1-based): chr2:178,582,414, G>A on the plus strand (C>T on the coding strand, the complement: TTN is on the minus strand). VCF-style: chr2-178582414-G-A. GRCh37 (hg19) VCF-style: chr2-179447141-G-A.
Other names: c.61119C>T, p.Ser20373= (NM_001256850.1); c.38847C>T, p.Ser12949= (NM_003319.4); c.58338C>T, p.Ser19446= (NM_133378.4); c.39222C>T, p.Ser13074= (NM_133432.3); c.39423C>T, p.Ser13141= (NM_133437.4).
Identifiers: ClinVar variation 1952322 (VCV001952322.6), dbSNP rs1050906014, ClinGen allele CA60959319.

ClinVar aggregate classification (germline): Likely benign. Review status: criteria provided, multiple submitters, no conflicts (2 of 4 stars). 2 submissions from 2 submitters: Likely benign (2). Last evaluated 2026-09-01.

Conditions:
Dilated cardiomyopathy 1G (CMD1G). Identifiers: Orphanet 154, MedGen C1858763, MONDO:0011400, OMIM 604145.
Autosomal recessive limb-girdle muscular dystrophy type 2J (LGMDR10). Also called: MUSCULAR DYSTROPHY, LIMB-GIRDLE, AUTOSOMAL RECESSIVE 10; Limb-girdle muscular dystrophy, type 2J. Identifiers: Orphanet 140922, MedGen C1837342, MONDO:0012127, OMIM 608807.

Allele frequency attached by ClinVar (database versions not stated): gnomAD exomes below 0.00001; TOPMed below 0.00001.
gnomAD v4.1: 1 of 1,612,940 alleles (0.000062%); highest among the groups gnomAD compares: Non-Finnish European, 0.000085%; no homozygotes.

Submissions (2):

CeGaT Center for Human Genetics Tuebingen
Classification: Likely benign. Last evaluated: 2026-09-01. Review status: criteria provided, single submitter. Criteria: CeGaT Center For Human Genetics Tuebingen Variant Classification Criteria Version 2. Collection method: clinical testing. Allele origin: germline. Affected: yes. Observed: 1 variant allele.
Comment: TTN: BP4, BP7

Labcorp Genetics (formerly Invitae), Labcorp
Classification: Likely benign for Dilated cardiomyopathy 1G; Autosomal recessive limb-girdle muscular dystrophy type 2J. Last evaluated: 2022-06-01. Review status: criteria provided, single submitter. Criteria: Invitae Variant Classification Sherloc (09022015). Collection method: clinical testing. Allele origin: germline.